The following is an entry in ClinVar:

ClinVar aggregate classification (germline): Pathogenic (1 of 4 stars; one submission).

Submission:

Labcorp Genetics (formerly Invitae), Labcorp
Classification: Pathogenic. Last evaluated: 2023-04-04. Review status: criteria provided, single submitter. Criteria: Invitae Variant Classification Sherloc (09022015). Collection method: clinical testing. Allele origin: germline.
Comment: This sequence change creates a premature translational stop signal (p.Gly1936*) in the POLE gene. It is expected to result in an absent or disrupted protein product. Loss-of-function variants in POLE are known to be pathogenic (PMID: 23230001, 25948378, 30503519). This variant is not present in population databases (gnomAD no frequency). This variant has not been reported in the literature in individuals affected with POLE-related conditions. For these reasons, this variant has been classified as Pathogenic.

Literature cited by the submitters: PubMed 23230001; PubMed 25948378; PubMed 30503519.

NM_006231.4(POLE):c.5806G>T (p.Gly1936Ter)

Gene: POLE (DNA polymerase epsilon, catalytic subunit; minus strand). Cytogenetic location: 12q24.33.
Variant type: single nucleotide variant.
Coding change: c.5806G>T on transcript NM_006231.4 (MANE Select); coding-DNA position 5806, G replaced by T.
Protein change: p.Gly1936Ter; replaces glycine 1936 with a stop codon.
Molecular consequence: nonsense.
Genome position (GRCh38, 1-based): chr12:132,635,897, C>A on the plus strand (G>T on the coding strand, the complement: POLE is on the minus strand). VCF-style: chr12-132635897-C-A. GRCh37 (hg19) VCF-style: chr12-133212483-C-A.
Other names: short protein forms G1936*.
Identifiers: ClinVar variation 2775676 (VCV002775676.3), dbSNP rs1443025275, ClinGen allele CA387372683.